The following is an entry in ClinVar:

NM_025257.3(SLC44A4):c.40G>A (p.Gly14Arg)

Genes: EHMT2-AS1 (EHMT2 and SLC44A4 antisense RNA 1; plus strand), SLC44A4 (solute carrier family 44 member 4; minus strand). Cytogenetic location: 6p21.33.
Variant type: single nucleotide variant.
Coding change: c.40G>A on transcript NM_025257.3 (MANE Select); coding-DNA position 40, G replaced by A.
Protein change: p.Gly14Arg; replaces glycine 14 with arginine.
Molecular consequence: missense variant.
Genome position (GRCh38, 1-based): chr6:31,878,941, C>T on the plus strand (G>A on the coding strand, the complement: SLC44A4 is on the minus strand). VCF-style: chr6-31878941-C-T. GRCh37 (hg19) VCF-style: chr6-31846718-C-T.
Other names: c.40G>A, p.Gly14Arg (NM_001178044.2, NM_032794.1); short protein forms G14R.
Identifiers: ClinVar variation 2975996 (VCV002975996.3), dbSNP rs776196883, ClinGen allele CA363386979.

ClinVar aggregate classification (germline): Uncertain significance (1 of 4 stars; one submission).

Allele frequency attached by ClinVar (database versions not stated): gnomAD 0.00001; TOPMed 0.00001.
gnomAD v4.1: 19 of 1,613,468 alleles (0.0012%); highest among the groups gnomAD compares: Middle Eastern, 0.016%; no homozygotes.

Submission:

Labcorp Genetics (formerly Invitae), Labcorp
Classification: Uncertain significance. Last evaluated: 2025-03-31. Review status: criteria provided, single submitter. Criteria: Invitae Variant Classification Sherloc (09022015). Collection method: clinical testing. Allele origin: germline.
Comment: This sequence change replaces glycine, which is neutral and non-polar, with arginine, which is basic and polar, at codon 14 of the SLC44A4 protein (p.Gly14Arg). This variant also falls at the last nucleotide of exon 1, which is part of the consensus splice site for this exon. This variant is present in population databases (no rsID available, gnomAD 0.0008%). This variant has not been reported in the literature in individuals affected with SLC44A4-related conditions. ClinVar contains an entry for this variant (Variation ID: 2975996). An algorithm developed to predict the effect of missense changes on protein structure and function (PolyPhen-2) suggests that this variant is likely to be disruptive. Variants that disrupt the consensus splice site are a relatively common cause of aberrant splicing (PMID: 17576681, 9536098). Algorithms developed to predict the effect of sequence changes on RNA splicing suggest that this variant may disrupt the consensus splice site. In summary, the available evidence is currently insufficient to determine the role of this variant in disease. Therefore, it has been classified as a Variant of Uncertain Significance.

Literature cited by the submitters: PubMed 17576681; PubMed 9536098.